The following is an entry in ClinVar:

NM_177438.3(DICER1):c.4468G>A (p.Gly1490Ser)

Gene: DICER1 (dicer 1, ribonuclease III; minus strand). Cytogenetic location: 14q32.13.
Variant type: single nucleotide variant.
Coding change: c.4468G>A on transcript NM_177438.3 (MANE Select); coding-DNA position 4468, G replaced by A.
Protein change: p.Gly1490Ser; replaces glycine 1490 with serine.
Molecular consequence: missense variant. On other transcripts: non-coding transcript variant (6).
Genome position (GRCh38, 1-based): chr14:95,096,452, C>T on the plus strand (G>A on the coding strand, the complement: DICER1 is on the minus strand). VCF-style: chr14-95096452-C-T. GRCh37 (hg19) VCF-style: chr14-95562789-C-T.
Other names: c.4468G>A, p.Gly1490Ser (NM_001195573.1, NM_001271282.3, NM_001291628.2 and 12 more transcripts); c.4186G>A, p.Gly1396Ser (NM_001395686.1); c.4063G>A, p.Gly1355Ser (NM_001395687.1, NM_001395688.1, NM_001395689.1 and 2 more transcripts); c.3901G>A, p.Gly1301Ser (NM_001395691.1); c.2785G>A, p.Gly929Ser (NM_001395697.1); short protein forms G1301S, G1355S, G929S, G1490S, G1396S.
Identifiers: ClinVar variation 3659902 (VCV003659902.2).

ClinVar aggregate classification (germline): Uncertain significance (1 of 4 stars; one submission).

Conditions:
DICER1-related tumor predisposition. Also called: DICER1-related pleuropulmonary blastoma cancer predisposition syndrome; DICER1 syndrome. Identifiers: Orphanet 284343, MedGen C3839822, MONDO:0100216.

Submission:

Labcorp Genetics (formerly Invitae), Labcorp
Classification: Uncertain significance for DICER1-related tumor predisposition. Last evaluated: 2024-07-19. Review status: criteria provided, single submitter. Criteria: Invitae Variant Classification Sherloc (09022015). Collection method: clinical testing. Allele origin: germline.
Comment: This sequence change replaces glycine, which is neutral and non-polar, with serine, which is neutral and polar, at codon 1490 of the DICER1 protein (p.Gly1490Ser). This variant is not present in population databases (gnomAD no frequency). This variant has not been reported in the literature in individuals affected with DICER1-related conditions. An algorithm developed to predict the effect of missense changes on protein structure and function (PolyPhen-2) suggests that this variant is likely to be tolerated. In summary, the available evidence is currently insufficient to determine the role of this variant in disease. Therefore, it has been classified as a Variant of Uncertain Significance.